The following is an entry in ClinVar:

NM_000053.4(ATP7B):c.1707+2dup

Gene: ATP7B (ATPase copper transporting beta; minus strand). Cytogenetic location: 13q14.3.
Variant type: Duplication.
Coding change: c.1707+2dup on transcript NM_000053.4 (MANE Select); the canonical splice donor site of the intron after coding-DNA position 1707, one base duplicated (T; older notation c.1707+2dupT).
Molecular consequence: splice donor variant.
Genome position (GRCh38, 1-based): chr13:51,968,442, A duplicated on the plus strand (T on the coding strand, the reverse complement: ATP7B is on the minus strand). VCF-style (leftmost placement, unchanged base first): chr13-51968441-T-TA. GRCh37 (hg19) VCF-style: chr13-52542577-T-TA.
Other names: c.1374+2dup (NM_001243182.2); c.1707+2dup (NM_001005918.3, NM_001330579.2, NM_001330578.2); c.1707+2dupT (NM_000053.3).
Identifiers: ClinVar variation 649307 (VCV000649307.11), dbSNP rs781531824, ClinGen allele CA6989271.

ClinVar aggregate classification (germline): Conflicting classifications of pathogenicity. Review status: criteria provided, conflicting classifications (1 of 4 stars). 5 submissions from 5 submitters: Pathogenic (1); Likely pathogenic (1); Uncertain significance (3). Last evaluated 2026-01-28.

Conditions:
Wilson disease (WND). Also called: Wilson's disease. Identifiers: Orphanet 905, MedGen C0019202, MONDO:0010200, OMIM 277900. Disease mechanism: loss of function.

Allele frequency attached by ClinVar (database versions not stated): gnomAD exomes below 0.00001; ExAC 0.00001.

Submissions (5):

Natera, Inc.
Classification: Pathogenic for Wilson disease. Last evaluated: 2026-01-28. Review status: criteria provided, single submitter. Criteria: Natera Variant Classification Schema (03/2026). Collection method: clinical testing. Allele origin: germline.
Comment: The c.1707+2dupT variant in ATP7B is a canonical splice donor site variant predicted to affect pre-mRNA splicing, which may result in an abnormal transcript and altered protein product. This variant may result in a truncated or dysfunctional protein product. This variant is rare in the general population with a frequency below the threshold expected for the associated phenotype(s). This variant has been observed in one or more individuals affected with the associated recessive disease, as either homozygous or compound heterozygous with a second variant (PMID: 40980162, 33640437). Another variant at this same site results in an alteration predicted to cause a similar molecular effect has been observed in individual(s) with the associated phenotype. Given the available evidence, this variant is classified as Pathogenic.

Baylor Genetics
Classification: Likely pathogenic for Wilson disease. Last evaluated: 2024-03-10. Review status: criteria provided, single submitter. Criteria: ACMG Guidelines, 2015. Collection method: clinical testing. Allele origin: unknown.

Labcorp Genetics (formerly Invitae), Labcorp
Classification: Uncertain significance for Wilson disease. Last evaluated: 2021-08-12. Review status: criteria provided, single submitter. Criteria: Invitae Variant Classification Sherloc (09022015). Collection method: clinical testing. Allele origin: germline.
Comment: This sequence change falls in intron 4 of the ATP7B gene. It does not directly change the encoded amino acid sequence of the ATP7B protein. It affects a nucleotide within the consensus splice site of the intron. This variant is present in population databases (rs781531824, ExAC 0.001%). This variant has been observed in individual(s) with Wilson disease (PMID: 9801873). This variant is also known as c.1703+3insT. Variants that disrupt the consensus splice site are a relatively common cause of aberrant splicing (PMID: 17576681, 9536098). Algorithms developed to predict the effect of sequence changes on RNA splicing suggest that this variant may disrupt the consensus splice site. In summary, the available evidence is currently insufficient to determine the role of this variant in disease. Therefore, it has been classified as a Variant of Uncertain Significance.

Genome-Nilou Lab
Classification: Uncertain significance for Wilson disease. Last evaluated: 2021-08-10. Review status: criteria provided, single submitter. Criteria: ACMG Guidelines, 2015. Collection method: clinical testing. Allele origin: germline. Affected: no.

Blueprint Genetics
Classification: Uncertain significance. Last evaluated: 2020-01-10. Review status: criteria provided, single submitter. Criteria: ACMG Guidelines, 2015. Collection method: clinical testing. Allele origin: germline.

Literature cited by the submitters: PubMed 40980162 (cited by Natera, Inc.); PubMed 33640437 (cited by Natera, Inc.); PubMed 9801873 (cited by Labcorp Genetics (formerly Invitae), Labcorp); PubMed 17576681 (cited by Labcorp Genetics (formerly Invitae), Labcorp); PubMed 9536098 (cited by Labcorp Genetics (formerly Invitae), Labcorp).